The following is an entry in ClinVar:

NM_001035.3(RYR2):c.7141A>G (p.Thr2381Ala)

Gene: RYR2 (ryanodine receptor 2; plus strand). Cytogenetic location: 1q43.
Variant type: single nucleotide variant.
Coding change: c.7141A>G on transcript NM_001035.3 (MANE Select); coding-DNA position 7141, A replaced by G.
Protein change: p.Thr2381Ala; replaces threonine 2381 with alanine.
Molecular consequence: missense variant.
Genome position (GRCh38, 1-based): chr1:237,640,922, A>G. VCF-style: chr1-237640922-A-G. GRCh37 (hg19) VCF-style: chr1-237804222-A-G.
Other names: short protein forms T2381A.
Identifiers: ClinVar variation 3069570 (VCV003069570.1), dbSNP rs2546974712, ClinGen allele CA345396597.
Genomic context (GRCh38, chr1:237,640,922, plus strand): 5'-TTTGCTTTCTCTTTCTTTTGAAACATTCATGAAAGTGACACAGAGGAGGAGGAAGATGAC[A>G]CTATCCACATGGGGAACGCGATCATGACCTTCTATTCAGCTTTGATTGACCTCTTGGGAC-3'
Protein context (NP_001026.2, residues 2371-2391): TLDTEEEEDD[Thr2381Ala]IHMGNAIMTF

ClinVar aggregate classification (germline): Uncertain significance (1 of 4 stars; one submission).

Conditions:
Catecholaminergic polymorphic ventricular tachycardia (CVPT). Also called: Catecholamine-induced polymorphic ventricular tachycardia. Identifiers: Orphanet 3286, MedGen C5574922, MONDO:0017990.

gnomAD v4.1: 1 of 1,613,564 alleles (0.000062%); no homozygotes.

Submission:

All of Us Research Program, National Institutes of Health
Classification: Uncertain significance for Catecholaminergic polymorphic ventricular tachycardia. Last evaluated: 2023-02-24. Review status: criteria provided, single submitter. Criteria: ACMG Guidelines, 2015. Collection method: clinical testing. Allele origin: germline. Inheritance: Autosomal dominant inheritance. Observed: 1 variant allele, 1 heterozygote.
Comment: This missense variant replaces threonine with alanine at codon 2381 of the RYR2 protein. Computational prediction suggests that this variant may not impact protein structure and function (internally defined REVEL score threshold <= 0.5, PMID: 27666373). To our knowledge, functional studies have not been reported for this variant. This variant has not been reported in individuals affected with RYR2-related disorders in the literature. This variant has not been identified in the general population by the Genome Aggregation Database (gnomAD). The available evidence is insufficient to determine the role of this variant in disease conclusively. Therefore, this variant is classified as a Variant of Uncertain Significance.

This study involves interpretation of variants in research participants for the purpose of population health screening. Participant phenotype was not available at the time of variant classification. Additional details can be found in publication PMID: 35346344, PMCID: PMC8962531